The following is an entry in ClinVar:

ClinVar aggregate classification (germline): Likely pathogenic (1 of 4 stars; one submission).

Conditions:
Familial thoracic aortic aneurysm and aortic dissection (TAAD). Also called: Thoracic aortic aneurysms and dissections. Identifiers: Orphanet 91387, MedGen C4707243, MONDO:0019625.
Marfan syndrome (MFS). Also called: Marfan syndrome type 1; Marfan syndrome, classic; Marfan's syndrome; FBN1-Related Marfan Syndrome; MARFAN SYNDROME, TYPE I. Identifiers: Orphanet 284963, Orphanet 558, MedGen C0024796, MONDO:0007947, OMIM 154700.

Submission:

Labcorp Genetics (formerly Invitae), Labcorp
Classification: Likely pathogenic for Marfan syndrome; Familial thoracic aortic aneurysm and aortic dissection. Last evaluated: 2017-08-22. Review status: criteria provided, single submitter. Criteria: Invitae Variant Classification Sherloc (09022015). Collection method: clinical testing. Allele origin: germline.
Comment: This variant affects a cysteine residue located within an epidermal-growth-factor (EGF)–like domain of the FBN1 protein. Cysteine residues in these domains have been shown to be involved in the formation of disulfide bridges, which are critical for FBN1 protein structure and stability (PMID: 10486319, 3495735, 4750422, 16677079). In addition, missense substitutions within the FBN1 EGF-like domains affecting cysteine residues are significantly overrepresented among patients with Marfan syndrome (PMID: 16571647, 17701892). In summary, this variant is a novel missense change affecting a residue crucial for protein stability and function. Although additional genetic data will be necessary to further confirm pathogenicity for this variant, cysteine substitutions located in FBN1 EGF-like domains are likely deleterious. For these reasons, this variant has been classified as Likely Pathogenic. Algorithms developed to predict the effect of missense changes on protein structure and function do not agree on the potential impact of this missense change (SIFT: "Deleterious"; PolyPhen-2: "Benign"; Align-GVGD: "Class C65"). This variant has not been reported in the literature in individuals with FBN1-related disease. This variant is not present in population databases (ExAC no frequency). This sequence change replaces cysteine with serine at codon 1367 of the FBN1 protein (p.Cys1367Ser). The cysteine residue is highly conserved and there is a moderate physicochemical difference between cysteine and serine.

Literature cited by the submitters: PubMed 10486319; PubMed 3495735; PubMed 4750422; PubMed 16677079; PubMed 16571647; PubMed 17701892.

NM_000138.5(FBN1):c.4099T>A (p.Cys1367Ser)

Gene: FBN1 (fibrillin 1; minus strand). Cytogenetic location: 15q21.1.
Variant type: single nucleotide variant.
Coding change: c.4099T>A on transcript NM_000138.5 (MANE Select); coding-DNA position 4099, T replaced by A.
Protein change: p.Cys1367Ser; replaces cysteine 1367 with serine.
Molecular consequence: missense variant.
Genome position (GRCh38, 1-based): chr15:48,474,366, A>T on the plus strand (T>A on the coding strand, the complement: FBN1 is on the minus strand). VCF-style: chr15-48474366-A-T. GRCh37 (hg19) VCF-style: chr15-48766563-A-T.
Other names: short protein forms C1367S.
Identifiers: ClinVar variation 527159 (VCV000527159.8), dbSNP rs1555397670, ClinGen allele CA392320359.
Genomic context (GRCh38, chr15:48,474,366, plus strand): 5'-AAGATCCCATGGTATTCTTGCAGTCTGCATGCTGGCTGCACATATGGGTTCCATTGGAAC[A>T]TTCGTCCAGATCTTATAGAAAAAGGTTATATCATTATTAACAGAAAGGGTGGTATTTAAA-3'
Protein context (NP_000129.3, residues 1357-1377): DGIKCTDLDE[Cys1367Ser]SNGTHMCSQH